The following is an entry in ClinVar:

NM_000492.4(CFTR):c.68T>C (p.Ile23Thr)

Gene: CFTR (CF transmembrane conductance regulator; plus strand). Cytogenetic location: 7q31.2.
Variant type: single nucleotide variant.
Coding change: c.68T>C on transcript NM_000492.4 (MANE Select); coding-DNA position 68, T replaced by C.
Protein change: p.Ile23Thr; replaces isoleucine 23 with threonine.
Molecular consequence: missense variant.
Genome position (GRCh38, 1-based): chr7:117,504,267, T>C. VCF-style: chr7-117504267-T-C. GRCh37 (hg19) VCF-style: chr7-117144321-T-C.
Other names: short protein forms I23T.
Identifiers: ClinVar variation 1756069 (VCV001756069.4), dbSNP rs2484968064, ClinGen allele CA368986883.

ClinVar aggregate classification (germline): Uncertain significance. Review status: criteria provided, multiple submitters, no conflicts (2 of 4 stars). 2 submissions from 2 submitters: Uncertain significance (2). Last evaluated 2025-01-06.

Conditions:
Cystic fibrosis (CF). Also called: MUCOVISCIDOSIS. Identifiers: Orphanet 586, MedGen C0010674, MONDO:0009061, OMIM 219700. Disease mechanism: loss of function.

Submissions (2):

Women's Health and Genetics/Laboratory Corporation of America, LabCorp
Classification: Uncertain significance. Last evaluated: 2025-01-06. Review status: criteria provided, single submitter. Criteria: LabCorp Variant Classification Summary - May 2015. Collection method: clinical testing. Allele origin: germline.

Ambry Genetics
Classification: Uncertain significance for Cystic fibrosis. Last evaluated: 2023-11-23. Review status: criteria provided, single submitter. Criteria: Ambry Variant Classification Scheme 2023. Collection method: clinical testing. Allele origin: germline.
Comment: The p.I23T variant (also known as c.68T>C), located in coding exon 2 of the CFTR gene, results from a T to C substitution at nucleotide position 68. The isoleucine at codon 23 is replaced by threonine, an amino acid with similar properties. This amino acid position is highly conserved in available vertebrate species. In addition, this alteration is predicted to be deleterious by in silico analysis. Since supporting evidence is limited at this time, the clinical significance of this alteration remains unclear.